The following is an entry in ClinVar:

NM_017646.6(TRIT1):c.83T>C (p.Ile28Thr)

Genes: MYCL-AS1 (MYCL antisense RNA 1; plus strand), TRIT1 (tRNA isopentenyltransferase 1; minus strand). Cytogenetic location: 1p34.2.
Variant type: single nucleotide variant.
Coding change: c.83T>C on transcript NM_017646.6 (MANE Select); coding-DNA position 83, T replaced by C.
Protein change: p.Ile28Thr; replaces isoleucine 28 with threonine.
Molecular consequence: missense variant. On other transcripts: non-coding transcript variant (1).
Genome position (GRCh38, 1-based): chr1:39,883,409, A>G on the plus strand (T>C on the coding strand, the complement: TRIT1 is on the minus strand). VCF-style: chr1-39883409-A-G. GRCh37 (hg19) VCF-style: chr1-40349081-A-G.
Other names: c.83T>C, p.Ile28Thr (NM_001312691.2, NM_001312692.2); short protein forms I28T.
Identifiers: ClinVar variation 4077185 (VCV004077185.1).

ClinVar aggregate classification (germline): Uncertain significance (1 of 4 stars; one submission).

Submission:

GeneDx
Classification: Uncertain significance. Last evaluated: 2025-02-26. Review status: criteria provided, single submitter. Criteria: GeneDx Variant Classification Process June 2021. Collection method: clinical testing. Allele origin: germline. Affected: yes.
Comment: Not observed at significant frequency in large population cohorts (gnomAD); In silico analysis supports that this missense variant has a deleterious effect on protein structure/function; Has not been previously published as pathogenic or benign to our knowledge